The following is an entry in ClinVar:

NM_000059.4(BRCA2):c.4703A>G (p.Lys1568Arg)

Gene: BRCA2 (BRCA2 DNA repair associated; plus strand). Cytogenetic location: 13q13.1.
Variant type: single nucleotide variant.
Coding change: c.4703A>G on transcript NM_000059.4 (MANE Select); coding-DNA position 4703, A replaced by G.
Protein change: p.Lys1568Arg; replaces lysine 1568 with arginine.
Molecular consequence: missense variant.
Genome position (GRCh38, 1-based): chr13:32,339,058, A>G. VCF-style: chr13-32339058-A-G. GRCh37 (hg19) VCF-style: chr13-32913195-A-G.
Other names: short protein forms K1568R.
Identifiers: ClinVar variation 51699 (VCV000051699.26), dbSNP rs80358699, ClinGen allele CA020687.

ClinVar aggregate classification (germline): Conflicting classifications of pathogenicity. Review status: criteria provided, conflicting classifications (1 of 4 stars). 10 submissions from 10 submitters: Uncertain significance (6); Likely benign (2). 2 of the submissions do not count toward it. Last evaluated 2026-01-11.

Conditions:
Hereditary breast ovarian cancer syndrome. Also called: Hereditary breast and ovarian cancer syndrome; Hereditary breast and ovarian cancer; Hereditary breast and ovarian cancer syndrome (HBOC); Breast and ovarian cancer; Hereditary breast and/or ovarian cancer syndrome; BRCA1- and BRCA2-Associated Hereditary Breast and Ovarian Cancer. Identifiers: Orphanet 145, MedGen C0677776, MeSH D061325, MONDO:0003582. Disease mechanism: loss of function.
BRCA2-related disorder. Also called: BRCA2-related condition; BRCA2-related disorders. Identifiers: MedGen CN239275.
Hereditary cancer-predisposing syndrome. Also called: Neoplastic Syndromes, Hereditary; Tumor predisposition; Hereditary neoplastic syndrome; Hereditary Cancer Syndrome. Identifiers: Orphanet 140162, MedGen C0027672, MeSH D009386, MONDO:0015356.
Breast-ovarian cancer, familial, susceptibility to, 2 (BROVCA2). Also called: BRCA2 Hereditary Breast and Ovarian Cancer. Identifiers: Orphanet 145, MedGen C2675520, MONDO:0012933, OMIM 612555. Disease mechanism: loss of function.

Allele frequency attached by ClinVar (database versions not stated): gnomAD exomes below 0.00001 and 0.00001; gnomAD 0.00001; TOPMed 0.00001.
gnomAD v4.1: 2 of 1,613,938 alleles (0.00012%); highest among the groups gnomAD compares: Non-Finnish European, 0.00017%; no homozygotes.

Submissions (10):

Labcorp Genetics (formerly Invitae), Labcorp
Classification: Uncertain significance for Hereditary breast ovarian cancer syndrome. Last evaluated: 2026-01-11. Review status: criteria provided, single submitter. Criteria: Invitae Variant Classification Sherloc (09022015). Collection method: clinical testing. Allele origin: germline.
Comment: This sequence change replaces lysine, which is basic and polar, with arginine, which is basic and polar, at codon 1568 of the BRCA2 protein (p.Lys1568Arg). This variant is present in population databases (rs80358699, gnomAD 0.002%). This variant has not been reported in the literature in individuals affected with BRCA2-related conditions. ClinVar contains an entry for this variant (Variation ID: 51699). Invitae Evidence Modeling of protein sequence and biophysical properties (such as structural, functional, and spatial information, amino acid conservation, physicochemical variation, residue mobility, and thermodynamic stability) indicates that this missense variant is not expected to disrupt BRCA2 protein function with a negative predictive value of 95%. In summary, the available evidence is currently insufficient to determine the role of this variant in disease. Therefore, it has been classified as a Variant of Uncertain Significance.

Women's Health and Genetics/Laboratory Corporation of America, LabCorp
Classification: Uncertain significance. Last evaluated: 2025-10-30. Review status: criteria provided, single submitter. Criteria: LabCorp Variant Classification Summary - May 2015. Collection method: clinical testing. Allele origin: germline.

GeneDx
Classification: Uncertain significance. Last evaluated: 2025-07-29. Review status: criteria provided, single submitter. Criteria: GeneDx Variant Classification Process June 2021. Collection method: clinical testing. Allele origin: germline. Affected: yes.
Comment: Not observed at significant frequency in large population cohorts (gnomAD); In silico analysis suggests that this missense variant does not alter protein structure/function; Has not been previously published as pathogenic or benign to our knowledge; Also known as 4931A>G; This variant is associated with the following publications: (PMID: 31131967)

Ambry Genetics
Classification: Uncertain significance for Hereditary cancer-predisposing syndrome. Last evaluated: 2024-03-09. Review status: criteria provided, single submitter. Criteria: Ambry Variant Classification Scheme 2023. Collection method: clinical testing. Allele origin: germline.
Comment: The p.K1568R variant (also known as c.4703A>G), located in coding exon 10 of the BRCA2 gene, results from an A to G substitution at nucleotide position 4703. The lysine at codon 1568 is replaced by arginine, an amino acid with highly similar properties. This amino acid position is not well conserved in available vertebrate species. In addition, this alteration is predicted to be tolerated by in silico analysis. Since supporting evidence is limited at this time, the clinical significance of this alteration remains unclear.

University of Washington Department of Laboratory Medicine, University of Washington
Classification: Likely benign for Hereditary cancer-predisposing syndrome. Last evaluated: 2023-03-23. Review status: criteria provided, single submitter. Criteria: Dines et al. (Genet Med. 2020). Collection method: curation. Allele origin: germline.
Comment: Missense variant in a coldspot region where missense variants are very unlikely to be pathogenic (PMID:31911673).

BRCA2 exon 11 coldspot. Reclassification based on statistical prior probability.

Quest Diagnostics Nichols Institute San Juan Capistrano
Classification: Uncertain significance. Last evaluated: 2023-02-13. Review status: criteria provided, single submitter. Criteria: Quest Diagnostics criteria. Collection method: clinical testing. Allele origin: unknown.
Comment: The variant has not been reported in individuals with BRCA2-related conditions in the published literature. The frequency of this variant in the general population, 0.000018 (2/113508 chromosomes), is uninformative in assessment of its pathogenicity. Analysis of this variant using bioinformatics tools for the prediction of the effect of amino acid changes on protein structure and function yielded predictions that this variant is benign. Additional analysis using software algorithms for the prediction of the effect of nucleotide changes on BRCA2 mRNA splicing yielded predictions that this variant may result in the gain of a cryptic splice site without affecting the natural splice sites . Based on the available information, we are unable to determine the clinical significance of this variant.

Institute for Clinical Genetics, University Hospital TU Dresden, University Hospital TU Dresden
Classification: Uncertain significance. Last evaluated: 2021-11-03. Review status: criteria provided, single submitter. Criteria: ACMG Guidelines, 2015. Collection method: clinical testing. Allele origin: germline.

Color Diagnostics, LLC DBA Color Health
Classification: Likely benign for Hereditary cancer-predisposing syndrome. Last evaluated: 2016-05-02. Review status: criteria provided, single submitter. Criteria: ACMG Guidelines, 2015. Collection method: clinical testing. Allele origin: germline.

PreventionGenetics, part of Exact Sciences
Classification: Uncertain significance for BRCA2-related condition. Last evaluated: 2023-12-20. Review status: no assertion criteria provided. Collection method: clinical testing. Allele origin: germline. Not counted in ClinVar's aggregate classification.
Comment: The BRCA2 c.4703A>G variant is predicted to result in the amino acid substitution p.Lys1568Arg. To our knowledge, this variant has not been reported in the literature. This variant is reported in 0.0018% of alleles in individuals of European (Non-Finnish) descent in gnomAD. At this time, the clinical significance of this variant is uncertain due to the absence of conclusive functional and genetic evidence.

Breast Cancer Information Core (BIC) (BRCA2)
Classification: Uncertain significance for Breast-ovarian cancer, familial 2. Last evaluated: 2004-02-20. Review status: no assertion criteria provided. Collection method: clinical testing. Allele origin: germline. Affected: yes. Observed: 1 variant allele. Not counted in ClinVar's aggregate classification.